The following is an entry in ClinVar:

NM_007129.5(ZIC2):c.995C>A (p.Pro332His)

Gene: ZIC2 (Zic family member 2; plus strand). Cytogenetic location: 13q32.3.
Variant type: single nucleotide variant.
Coding change: c.995C>A on transcript NM_007129.5 (MANE Select); coding-DNA position 995, C replaced by A.
Protein change: p.Pro332His; replaces proline 332 with histidine.
Molecular consequence: missense variant.
Genome position (GRCh38, 1-based): chr13:99,983,059, C>A. VCF-style: chr13-99983059-C-A. GRCh37 (hg19) VCF-style: chr13-100635313-C-A.
Other names: short protein forms P332H.
Identifiers: ClinVar variation 3360846 (VCV003360846.1).
Genomic context (GRCh38, chr13:99,983,059, plus strand): 5'-AGCCCTTCAAGGCCAAATACAAACTGGTCAACCACATCCGCGTGCACACAGGCGAGAAAC[C>A]CTTCCCCTGCCCCTTCCCGGGCTGTGGCAAAGTCTTCGCGCGCTCCGAGAACCTCAAGAT-3'
Protein context (NP_009060.2, residues 322-342): NHIRVHTGEK[Pro332His]FPCPFPGCGK

ClinVar aggregate classification (germline): Uncertain significance (1 of 4 stars; one submission).

Submission:

GeneDx
Classification: Uncertain significance. Last evaluated: 2023-07-05. Review status: criteria provided, single submitter. Criteria: GeneDx Variant Classification Process June 2021. Collection method: clinical testing. Allele origin: germline. Affected: yes.
Comment: Not observed at significant frequency in large population cohorts (gnomAD); In silico analysis supports that this missense variant has a deleterious effect on protein structure/function; Has not been previously published as pathogenic or benign to our knowledge